The following is an entry in ClinVar:

ClinVar aggregate classification (germline): Pathogenic/Likely pathogenic. Review status: criteria provided, multiple submitters, no conflicts (2 of 4 stars). 4 submissions from 4 submitters: Pathogenic (3); Likely pathogenic (1). Last evaluated 2026-01-04.

Conditions:
Hypertrophic cardiomyopathy 4. Also called: Familial hypertrophic cardiomyopathy 4. Identifiers: MedGen C1861862, MONDO:0007268, OMIM 115197.
Hypertrophic cardiomyopathy. Also called: HYPERTROPHIC MYOCARDIOPATHY. Identifiers: Orphanet 217569, MedGen C0007194, MeSH D002312, MONDO:0005045, HP:0001639.

Submissions (4):

Labcorp Genetics (formerly Invitae), Labcorp
Classification: Pathogenic for Hypertrophic cardiomyopathy. Last evaluated: 2026-01-04. Review status: criteria provided, single submitter. Criteria: Invitae Variant Classification Sherloc (09022015). Collection method: clinical testing. Allele origin: germline.
Comment: This sequence change creates a premature translational stop signal (p.Gln1012*) in the MYBPC3 gene. It is expected to result in an absent or disrupted protein product. Loss-of-function variants in MYBPC3 are known to be pathogenic (PMID: 19574547). This variant is not present in population databases (gnomAD no frequency). This premature translational stop signal has been observed in individual(s) with hypertrophic cardiomyopathy (PMID: 12951062, 33407484). ClinVar contains an entry for this variant (Variation ID: 180997). For these reasons, this variant has been classified as Pathogenic.

Clinical Genomics Laboratory, Stanford Medicine
Classification: Pathogenic for Hypertrophic cardiomyopathy 4. Last evaluated: 2023-07-25. Review status: criteria provided, single submitter. Criteria: ACMG Guidelines, 2015. Collection method: clinical testing. Allele origin: germline. Inheritance: Autosomal dominant inheritance. Affected: yes. Observed: 1 variant allele, 1 heterozygote.
Comment: This variant was absent from large population databases, including the Genome Aggregation Database. This variant is present in ClinVar (Variation ID: VCV000180997.7). The p.Gln1012* variant leads to a premature stop codon in exon 29 of 35 exons, and is therefore predicted to undergo nonsense-mediated decay resulting in a truncated or absent protein. Loss-of-function is an established mechanism of disease for the MYBPC3 gene (Helms et al., 2020). These data were assessed using the ACMG/AMP variant interpretation guidelines. In summary, there is sufficient evidence to classify the p.Gln1012* variant as pathogenic for autosomal dominant hypertrophic cardiomyopathy based on the information above. [ACMG evidence codes used: PVS1; PM2; PS4_Supporting]

GeneDx
Classification: Pathogenic. Last evaluated: 2021-04-21. Review status: criteria provided, single submitter. Criteria: GeneDx Variant Classification Process June 2021. Collection method: clinical testing. Allele origin: germline. Affected: yes.
Comment: Not observed in large population cohorts (Lek et al., 2016); Nonsense variant predicted to result in protein truncation or nonsense mediated decay in a gene for which loss-of-function is a known mechanism of disease; This variant is associated with the following publications: (PMID: 25525159, 21302287, 27483260, 12951062)

Juno Genomics, Hangzhou Juno Genomics, Inc
Classification: Likely pathogenic for Hypertrophic cardiomyopathy 4. Review status: criteria provided, single submitter. Criteria: ACMG Guidelines, 2015. Collection method: clinical testing. Allele origin: germline. Affected: yes.
Comment: Absent from controls (or at extremely low frequency if recessive) in Genome Aggregation Database, Exome Sequencing Project, 1000 Genomes Project, or Exome Aggregation Consortium.;Null variant in a gene where loss of function (LOF) is a known mechanism of disease.

Literature cited by the submitters: PubMed 19574547 (cited by Labcorp Genetics (formerly Invitae), Labcorp); PubMed 12951062 (cited by Labcorp Genetics (formerly Invitae), Labcorp and Clinical Genomics Laboratory, Stanford Medicine); PubMed 33407484 (cited by Labcorp Genetics (formerly Invitae), Labcorp and Clinical Genomics Laboratory, Stanford Medicine); PubMed 21302287 (cited by Clinical Genomics Laboratory, Stanford Medicine); PubMed 27483260 (cited by Clinical Genomics Laboratory, Stanford Medicine); PubMed 32841044 (cited by Clinical Genomics Laboratory, Stanford Medicine).

NM_000256.3(MYBPC3):c.3034C>T (p.Gln1012Ter)

Gene: MYBPC3 (myosin binding protein C3; minus strand). Cytogenetic location: 11p11.2.
Variant type: single nucleotide variant.
Coding change: c.3034C>T on transcript NM_000256.3 (MANE Select); coding-DNA position 3034, C replaced by T.
Protein change: p.Gln1012Ter; replaces glutamine 1012 with a stop codon.
Molecular consequence: nonsense.
Genome position (GRCh38, 1-based): chr11:47,333,713, G>A on the plus strand (C>T on the coding strand, the complement: MYBPC3 is on the minus strand). VCF-style: chr11-47333713-G-A. GRCh37 (hg19) VCF-style: chr11-47355264-G-A.
Other names: p.Q1012*:CAG>TAG; c.3034C>T, p.Gln1012Ter (LRG_386t1); short protein forms Q1012*.
Identifiers: ClinVar variation 180997 (VCV000180997.10), dbSNP rs730880586, ClinGen allele CA013359.
Genomic context (GRCh38, chr11:47,333,713, plus strand): 5'-TGAACAGGATGGTGTCTGTGGGGCTGTTGCGGATGCTCACCTCCTCGCCTGCCAGGGGCT[G>A]CCCCTCTTTGGTCCAGGTCACCTGAGGCCGGGGCTTGCCCTGAGGGGAGGAAAAGCTTAA-3'